The following is an entry in ClinVar:

ClinVar aggregate classification (germline): Pathogenic (1 of 4 stars; one submission).

Conditions:
Landau-Kleffner syndrome (FESD). Also called: APHASIA, ACQUIRED, WITH EPILEPSY; EPILEPSY, FOCAL, WITH SPEECH DISORDER AND WITH OR WITHOUT MENTAL RETARDATION. Identifiers: Orphanet 1945, Orphanet 725, Orphanet 98818, MedGen C0282512, MONDO:0009509, OMIM 245570.

Submission:

Labcorp Genetics (formerly Invitae), Labcorp
Classification: Pathogenic for Landau-Kleffner syndrome. Last evaluated: 2025-01-17. Review status: criteria provided, single submitter. Criteria: Invitae Variant Classification Sherloc (09022015). Collection method: clinical testing. Allele origin: germline.
Comment: This sequence change creates a premature translational stop signal (p.Arg1009*) in the GRIN2A gene. While this is not anticipated to result in nonsense mediated decay, it is expected to disrupt the last 456 amino acid(s) of the GRIN2A protein. This variant is not present in population databases (gnomAD no frequency). This variant has not been reported in the literature in individuals affected with GRIN2A-related conditions. ClinVar contains an entry for this variant (Variation ID: 2756316). This variant disrupts a region of the GRIN2A protein in which other variant(s) (p.Asn1397Glnfs*23) have been determined to be pathogenic (PMID: 25724810). This suggests that this is a clinically significant region of the protein, and that variants that disrupt it are likely to be disease-causing. For these reasons, this variant has been classified as Pathogenic.

Literature cited by the submitters: PubMed 25724810.

NM_001134407.3(GRIN2A):c.3025A>T (p.Arg1009Ter)

Gene: GRIN2A (glutamate ionotropic receptor NMDA type subunit 2A; minus strand). Cytogenetic location: 16p13.2.
Variant type: single nucleotide variant.
Coding change: c.3025A>T on transcript NM_001134407.3 (MANE Select); coding-DNA position 3025, A replaced by T.
Protein change: p.Arg1009Ter; replaces arginine 1009 with a stop codon.
Molecular consequence: nonsense.
Genome position (GRCh38, 1-based): chr16:9,764,519, T>A on the plus strand (A>T on the coding strand, the complement: GRIN2A is on the minus strand). VCF-style: chr16-9764519-T-A. GRCh37 (hg19) VCF-style: chr16-9858376-T-A.
Other names: c.3025A>T, p.Arg1009Ter (NM_000833.5, NM_001134408.2); short protein forms R1009*.
Identifiers: ClinVar variation 2756316 (VCV002756316.3), dbSNP rs1555482761, ClinGen allele CA394708827.